The following is an entry in ClinVar:

ClinVar aggregate classification (germline): Uncertain significance. Review status: criteria provided, multiple submitters, no conflicts (2 of 4 stars). 3 submissions from 3 submitters: Uncertain significance (3). Last evaluated 2025-03-10.

Conditions:
Inborn genetic diseases. Identifiers: MedGen C0950123, MeSH D030342.
Larsen-like syndrome, B3GAT3 type. Also called: Multiple joint dislocations, short stature, craniofacial dysmorphism, with or without congenital heart defects; MULTIPLE JOINT DISLOCATIONS, SHORT STATURE, AND CRANIOFACIAL DYSMORPHISM WITH OR WITHOUT CONGENITAL HEART DEFECTS. Identifiers: Orphanet 284139, MedGen CN034159, MONDO:0009511, OMIM 245600.

Allele frequency attached by ClinVar (database versions not stated): ExAC 0.00001; gnomAD 0.00001; gnomAD exomes 0.00001; TOPMed 0.00001.
gnomAD v4.1: 26 of 1,614,242 alleles (0.0016%); highest among the groups gnomAD compares: Non-Finnish European, 0.0019%; no homozygotes.

Submissions (3):

Labcorp Genetics (formerly Invitae), Labcorp
Classification: Uncertain significance for Larsen-like syndrome, B3GAT3 type. Last evaluated: 2025-03-10. Review status: criteria provided, single submitter. Criteria: Invitae Variant Classification Sherloc (09022015). Collection method: clinical testing. Allele origin: germline.
Comment: This sequence change replaces histidine, which is basic and polar, with glutamine, which is neutral and polar, at codon 279 of the B3GAT3 protein (p.His279Gln). This variant is present in population databases (rs778053781, gnomAD 0.002%). This variant has not been reported in the literature in individuals affected with B3GAT3-related conditions. ClinVar contains an entry for this variant (Variation ID: 1298513). Invitae Evidence Modeling of protein sequence and biophysical properties (such as structural, functional, and spatial information, amino acid conservation, physicochemical variation, residue mobility, and thermodynamic stability) indicates that this missense variant is not expected to disrupt B3GAT3 protein function with a negative predictive value of 80%. In summary, the available evidence is currently insufficient to determine the role of this variant in disease. Therefore, it has been classified as a Variant of Uncertain Significance.

Ambry Genetics
Classification: Uncertain significance for Inborn genetic diseases. Last evaluated: 2024-03-31. Review status: criteria provided, single submitter. Criteria: Ambry Variant Classification Scheme 2023. Collection method: clinical testing. Allele origin: germline.

CeGaT Center for Human Genetics Tuebingen
Classification: Uncertain significance. Last evaluated: 2021-08-01. Review status: criteria provided, single submitter. Criteria: CeGaT Center For Human Genetics Tuebingen Variant Classification Criteria Version 2. Collection method: clinical testing. Allele origin: germline. Affected: yes. Observed: 1 variant allele.

NM_012200.4(B3GAT3):c.837C>A (p.His279Gln)

Gene: B3GAT3 (beta-1,3-glucuronyltransferase 3; minus strand). Cytogenetic location: 11q12.3.
Variant type: single nucleotide variant.
Coding change: c.837C>A on transcript NM_012200.4 (MANE Select); coding-DNA position 837, C replaced by A.
Protein change: p.His279Gln; replaces histidine 279 with glutamine.
Molecular consequence: missense variant. On other transcripts: non-coding transcript variant (1).
Genome position (GRCh38, 1-based): chr11:62,616,578, G>T on the plus strand (C>A on the coding strand, the complement: B3GAT3 is on the minus strand). VCF-style: chr11-62616578-G-T. GRCh37 (hg19) VCF-style: chr11-62384050-G-T.
Other names: c.816C>A, p.His272Gln (NM_001288721.2); c.837C>A, p.His279Gln (NM_001288722.2, NM_001288723.2); c.837C>A (NM_012200.3); short protein forms H272Q, H279Q.
Identifiers: ClinVar variation 1298513 (VCV001298513.37), dbSNP rs778053781, ClinGen allele CA6049998.